The following is an entry in ClinVar:

ClinVar aggregate classification (germline): Uncertain significance. Review status: criteria provided, multiple submitters, no conflicts (2 of 4 stars). 2 submissions from 2 submitters: Uncertain significance (2). Last evaluated 2021-10-29.

Conditions:
Juvenile polyposis syndrome (JPS). Identifiers: Orphanet 2929, MedGen C0345893, MONDO:0017380, OMIM 174900.
Familial thoracic aortic aneurysm and aortic dissection (TAAD). Also called: Thoracic aortic aneurysms and dissections. Identifiers: Orphanet 91387, MedGen C4707243, MONDO:0019625.
Hereditary cancer-predisposing syndrome. Also called: Tumor predisposition; Hereditary neoplastic syndrome; Neoplastic Syndromes, Hereditary; Hereditary Cancer Syndrome. Identifiers: Orphanet 140162, MedGen C0027672, MeSH D009386, MONDO:0015356.

Submissions (2):

Ambry Genetics
Classification: Uncertain significance for Hereditary cancer-predisposing syndrome; Familial thoracic aortic aneurysm and aortic dissection. Last evaluated: 2021-10-29. Review status: criteria provided, single submitter. Criteria: Ambry Variant Classification Scheme 2023. Collection method: clinical testing. Allele origin: germline.
Comment: The p.V219A variant (also known as c.656T>C), located in coding exon 4 of the SMAD4 gene, results from a T to C substitution at nucleotide position 656. The valine at codon 219 is replaced by alanine, an amino acid with similar properties. This amino acid position is highly conserved in available vertebrate species. In addition, the in silico prediction for this alteration is inconclusive. Since supporting evidence is limited at this time, the clinical significance of this alteration remains unclear.

Labcorp Genetics (formerly Invitae), Labcorp
Classification: Uncertain significance for Juvenile polyposis syndrome. Last evaluated: 2021-01-29. Review status: criteria provided, single submitter. Criteria: Invitae Variant Classification Sherloc (09022015). Collection method: clinical testing. Allele origin: germline.
Comment: In summary, the available evidence is currently insufficient to determine the role of this variant in disease. Therefore, it has been classified as a Variant of Uncertain Significance. Advanced modeling of protein sequence and biophysical properties (such as structural, functional, and spatial information, amino acid conservation, physicochemical variation, residue mobility, and thermodynamic stability) performed at Invitae indicates that this missense variant is not expected to disrupt SMAD4 protein function. This variant has not been reported in the literature in individuals with SMAD4-related conditions. This variant is not present in population databases (ExAC no frequency). This sequence change replaces valine with alanine at codon 219 of the SMAD4 protein (p.Val219Ala). The valine residue is moderately conserved and there is a small physicochemical difference between valine and alanine.

NM_005359.6(SMAD4):c.656T>C (p.Val219Ala)

Gene: SMAD4 (SMAD family member 4; plus strand). Cytogenetic location: 18q21.2.
Variant type: single nucleotide variant.
Coding change: c.656T>C on transcript NM_005359.6 (MANE Select); coding-DNA position 656, T replaced by C.
Protein change: p.Val219Ala; replaces valine 219 with alanine.
Molecular consequence: missense variant.
Genome position (GRCh38, 1-based): chr18:51,054,982, T>C. VCF-style: chr18-51054982-T-C. GRCh37 (hg19) VCF-style: chr18-48581352-T-C.
Other names: short protein forms V219A.
Identifiers: ClinVar variation 1504118 (VCV001504118.10), dbSNP rs2144419636, ClinGen allele CA402461333.
Genomic context (GRCh38, chr18:51,054,982, plus strand): 5'-CTCTGTTAGCCCCATCTGAGTCTAATGCTACCAGCACTGCCAACTTTCCCAACATTCCTG[T>C]GGCTTCCACAAGTGAGTTCTAGAATCAGATGTAGTCAGCAAGTTGAGTTTTCCTAATCAT-3'
Protein context (NP_005350.1, residues 209-229): TSTANFPNIP[Val219Ala]ASTSQPASIL